The following is an entry in ClinVar:

NM_020975.6(RET):c.3215A>G (p.Glu1072Gly)

Gene: RET (ret proto-oncogene; plus strand). Cytogenetic location: 10q11.21.
Variant type: single nucleotide variant.
Coding change: c.3215A>G on transcript NM_020975.6 (MANE Select); coding-DNA position 3215, A replaced by G.
Protein change: p.Glu1072Gly; replaces glutamic acid 1072 with glycine.
Molecular consequence: missense variant.
Genome position (GRCh38, 1-based): chr10:43,128,139, A>G. VCF-style: chr10-43128139-A-G. GRCh37 (hg19) VCF-style: chr10-43623587-A-G.
Other names: c.3215A>G, p.Glu1072Gly (NM_000323.2, NM_001406743.1); c.*1385A>G (NM_001355216.2, NM_001406764.1, NM_001406765.1 and 15 more transcripts); c.3155A>G, p.Glu1052Gly (NM_001406759.1, NM_001406760.1); c.3086A>G, p.Glu1029Gly (NM_001406761.1, NM_001406762.1); c.3080A>G, p.Glu1027Gly (NM_001406763.1); c.2927A>G, p.Glu976Gly (NM_001406766.1, NM_001406767.1); c.2819A>G, p.Glu940Gly (NM_001406769.1); c.2777A>G, p.Glu926Gly (NM_001406771.1); and 7 more; short protein forms E1027G, E1052G, E940G, E1072G, E677G, E1029G, E569G, E773G.
Identifiers: ClinVar variation 1989878 (VCV001989878.5), dbSNP rs2538660938, ClinGen allele CA376558873.
Genomic context (GRCh38, chr10:43,128,139, plus strand): 5'-AGTGCAGAACAAATGATCTGTTTTCATTTTTAGGCATGTCAGACCCGAACTGGCCTGGAG[A>G]GAGTCCTGTACCACTCACGAGAGCTGATGGCACTAACACTGGGTTTCCAAGATATCCAAA-3'
Protein context (NP_066124.1, residues 1062-1082): YGMSDPNWPG[Glu1072Gly]SPVPLTRADG

ClinVar aggregate classification (germline): Uncertain significance. Review status: criteria provided, multiple submitters, no conflicts (2 of 4 stars). 2 submissions from 2 submitters: Uncertain significance (2). Last evaluated 2026-02-12.

Conditions:
Multiple endocrine neoplasia, type 2 (MEN2). Identifiers: Orphanet 653, MedGen C4048306, MONDO:0019003. Disease mechanism: gain of function.
Hereditary cancer-predisposing syndrome. Also called: Neoplastic Syndromes, Hereditary; Tumor predisposition; Hereditary Cancer Syndrome; Hereditary neoplastic syndrome. Identifiers: Orphanet 140162, MedGen C0027672, MeSH D009386, MONDO:0015356.

Allele frequency attached by ClinVar (database versions not stated): gnomAD exomes below 0.00001.
gnomAD v4.1: 1 of 1,614,178 alleles (0.000062%); highest among the groups gnomAD compares: African/African-American, 0.0013%; no homozygotes.

Submissions (2):

Ambry Genetics
Classification: Uncertain significance for Hereditary cancer-predisposing syndrome. Last evaluated: 2026-02-12. Review status: criteria provided, single submitter. Criteria: Ambry Variant Classification Scheme 2023. Collection method: clinical testing. Allele origin: germline.
Comment: The p.E1072G variant (also known as c.3215A>G), located in coding exon 20 of the RET gene, results from an A to G substitution at nucleotide position 3215. The glutamic acid at codon 1072 is replaced by glycine, an amino acid with similar properties. This amino acid position is well conserved in available vertebrate species. In addition, the in silico prediction for this alteration is inconclusive. Based on the available evidence, the clinical significance of this variant remains unclear.

Labcorp Genetics (formerly Invitae), Labcorp
Classification: Uncertain significance for Multiple endocrine neoplasia, type 2. Last evaluated: 2022-09-22. Review status: criteria provided, single submitter. Criteria: Invitae Variant Classification Sherloc (09022015). Collection method: clinical testing. Allele origin: germline.
Comment: Algorithms developed to predict the effect of missense changes on protein structure and function are either unavailable or do not agree on the potential impact of this missense change (SIFT: "Deleterious"; PolyPhen-2: "Probably Damaging"; Align-GVGD: "Class C0"). This variant has not been reported in the literature in individuals affected with RET-related conditions. This variant is not present in population databases (gnomAD no frequency). This sequence change replaces glutamic acid, which is acidic and polar, with glycine, which is neutral and non-polar, at codon 1072 of the RET protein (p.Glu1072Gly). In summary, the available evidence is currently insufficient to determine the role of this variant in disease. Therefore, it has been classified as a Variant of Uncertain Significance.